The following is an entry in ClinVar:

ClinVar aggregate classification (germline): Benign/Likely benign. Review status: criteria provided, multiple submitters, no conflicts (2 of 4 stars). 3 submissions from 3 submitters: Benign (1); Likely benign (2). Last evaluated 2026-06-25.

Conditions:
Hereditary cancer-predisposing syndrome. Also called: Hereditary Cancer Syndrome; Neoplastic Syndromes, Hereditary; Hereditary neoplastic syndrome; Tumor predisposition. Identifiers: Orphanet 140162, MedGen C0027672, MeSH D009386, MONDO:0015356.
Retinoblastoma (RB1). Also called: RETINOBLASTOMA, SOMATIC. Identifiers: Orphanet 790, MedGen C0035335, MeSH D012175, MONDO:0008380, OMIM 180200, HP:0009919. Disease mechanism: loss of function. Inheritance: Both sporadic and heritable forms are tested..

Allele frequency attached by ClinVar (database versions not stated): gnomAD exomes below 0.00001.
gnomAD v4.1: 2 of 1,549,550 alleles (0.00013%); highest among the groups gnomAD compares: South Asian, 0.0011%; no homozygotes.

Submissions (3):

Myriad Genetics, Inc.
Classification: Benign for Retinoblastoma. Last evaluated: 2026-06-25. Review status: criteria provided, single submitter. Criteria: Myriad Autosomal Dominant, Autosomal Recessive and X-Linked Classification Criteria (2023). Collection method: clinical testing. Allele origin: unknown.
Comment: This variant is considered benign. This variant is a silent/synonymous amino acid change and it is not expected to impact splicing.

Labcorp Genetics (formerly Invitae), Labcorp
Classification: Likely benign for Retinoblastoma. Last evaluated: 2023-01-26. Review status: criteria provided, single submitter. Criteria: Invitae Variant Classification Sherloc (09022015). Collection method: clinical testing. Allele origin: germline.

Ambry Genetics
Classification: Likely benign for Hereditary cancer-predisposing syndrome. Last evaluated: 2016-11-02. Review status: criteria provided, single submitter. Criteria: Ambry Variant Classification Scheme 2023. Collection method: clinical testing. Allele origin: germline.

NM_000321.3(RB1):c.2244G>A (p.Glu748=)

Gene: RB1 (RB transcriptional corepressor 1; plus strand). Cytogenetic location: 13q14.2.
Variant type: single nucleotide variant.
Coding change: c.2244G>A on transcript NM_000321.3 (MANE Select); coding-DNA position 2244, G replaced by A.
Protein change: p.Glu748=; no amino-acid change (glutamic acid 748 retained).
Molecular consequence: synonymous variant.
Genome position (GRCh38, 1-based): chr13:48,465,030, G>A. VCF-style: chr13-48465030-G-A. GRCh37 (hg19) VCF-style: chr13-49039166-G-A.
Identifiers: ClinVar variation 428738 (VCV000428738.9), dbSNP rs1131690911, ClinGen allele CA483740087.